The following is an entry in ClinVar:

ClinVar aggregate classification (germline): Uncertain significance. Review status: criteria provided, multiple submitters, no conflicts (2 of 4 stars). 2 submissions from 2 submitters: Uncertain significance (2). Last evaluated 2026-04-27.

Conditions:
Cardiovascular phenotype. Identifiers: MedGen CN230736.
DK1-congenital disorder of glycosylation. Also called: CONGENITAL DISORDER OF GLYCOSYLATION, TYPE Im; CDG Im; DK1-CDG; DK1 DEFICIENCY; DOLICHOL KINASE DEFICIENCY; DOLK-congenital disorder of glycosylation. Identifiers: Orphanet 91131, MedGen C1835849, MONDO:0012556, OMIM 610768.

Allele frequency attached by ClinVar (database versions not stated): TOPMed below 0.00001; gnomAD 0.00001; gnomAD exomes 0.00001.

Submissions (2):

Ambry Genetics
Classification: Uncertain significance for Cardiovascular phenotype. Last evaluated: 2026-04-27. Review status: criteria provided, single submitter. Criteria: Ambry Variant Classification Scheme 2023. Collection method: clinical testing. Allele origin: germline.
Comment: The p.S43L variant (also known as c.128C>T), located in coding exon 1 of the DOLK gene, results from a C to T substitution at nucleotide position 128. The serine at codon 43 is replaced by leucine, an amino acid with dissimilar properties. This amino acid position is conserved. In addition, the in silico prediction for this alteration is inconclusive. Based on the available evidence, the clinical significance of this variant remains unclear.

Labcorp Genetics (formerly Invitae), Labcorp
Classification: Uncertain significance for DK1-congenital disorder of glycosylation. Last evaluated: 2021-08-27. Review status: criteria provided, single submitter. Criteria: Invitae Variant Classification Sherloc (09022015). Collection method: clinical testing. Allele origin: germline.
Comment: This sequence change replaces serine with leucine at codon 43 of the DOLK protein (p.Ser43Leu). The serine residue is highly conserved and there is a large physicochemical difference between serine and leucine. This variant is not present in population databases (ExAC no frequency). This variant has not been reported in the literature in individuals affected with DOLK-related conditions. Algorithms developed to predict the effect of missense changes on protein structure and function are either unavailable or do not agree on the potential impact of this missense change (SIFT: "Tolerated"; PolyPhen-2: "Probably Damaging"; Align-GVGD: "Class C15"). In summary, the available evidence is currently insufficient to determine the role of this variant in disease. Therefore, it has been classified as a Variant of Uncertain Significance.

NM_014908.4(DOLK):c.128C>T (p.Ser43Leu)

Gene: DOLK (dolichol kinase; minus strand). Cytogenetic location: 9q34.11.
Variant type: single nucleotide variant.
Coding change: c.128C>T on transcript NM_014908.4 (MANE Select); coding-DNA position 128, C replaced by T.
Protein change: p.Ser43Leu; replaces serine 43 with leucine.
Molecular consequence: missense variant.
Genome position (GRCh38, 1-based): chr9:128,947,176, G>A on the plus strand (C>T on the coding strand, the complement: DOLK is on the minus strand). VCF-style: chr9-128947176-G-A. GRCh37 (hg19) VCF-style: chr9-131709455-G-A.
Other names: c.128C>T (NM_014908.3); short protein forms S43L.
Identifiers: ClinVar variation 1056083 (VCV001056083.7), dbSNP rs1352546858, ClinGen allele CA375128270.
Genomic context (GRCh38, chr9:128,947,176, plus strand): 5'-AGCCGGTCCCACTTGTATTGGACGTAGAAGGCCTGCACTGCGAGGGCCACGGCGCACCAC[G>A]AGTATCGGTCCCATACGGTTGCGTGGATGCTCAGCACCACTGCAAACACTACTGCCGCCT-3'
Protein context (NP_055723.1, residues 33-53): SIHATVWDRY[Ser43Leu]WCAVALAVQA